The following is an entry in ClinVar:

ClinVar aggregate classification (germline): Benign/Likely benign. Review status: criteria provided, multiple submitters, no conflicts (2 of 4 stars). 14 submissions from 14 submitters: Benign (7); Likely benign (4). 3 of the submissions do not count toward it. Last evaluated 2026-08-01.

Conditions:
Inborn genetic diseases. Identifiers: MedGen C0950123, MeSH D030342.
Polycystic kidney disease, adult type (PKD1). Also called: POLYCYSTIC KIDNEY DISEASE, ADULT, TYPE I; Polycystic Kidney, Autosomal Dominant; Polycystic Kidney Disease 1, Autosomal Dominant; Polycystic kidney disease 1; Polycystic kidney disease 1, severe; POLYCYSTIC KIDNEY DISEASE 1 WITH OR WITHOUT POLYCYSTIC LIVER DISEASE. Identifiers: MedGen C3149841, MONDO:0008263, OMIM 173900.
Polycystic kidney disease. Also called: Kidney, Polycystic; Polycystic kidney dysplasia. Identifiers: MedGen C0022680, MeSH D007690, MONDO:0020642, HP:0000113.

Allele frequency attached by ClinVar (database versions not stated): TOPMed 0.00319; 1000 Genomes Project 30x 0.00328; ESP Exome Variant Server 0.00346; gnomAD 0.00349 and 0.00360; 1000 Genomes Project 0.00399.
gnomAD v4.1: 6,295 of 1,612,888 alleles (0.39%); highest among the groups gnomAD compares: Middle Eastern, 1.7%; 31 homozygotes.

Submissions (14):

CeGaT Center for Human Genetics Tuebingen
Classification: Likely benign. Last evaluated: 2026-08-01. Review status: criteria provided, single submitter. Criteria: CeGaT Center For Human Genetics Tuebingen Variant Classification Criteria Version 2. Collection method: clinical testing. Allele origin: germline. Affected: yes. Observed: 26 variant alleles.
Comment: PKD1: BP4, BP7

Mayo Clinic Laboratories, Mayo Clinic
Classification: Likely benign. Last evaluated: 2025-07-09. Review status: criteria provided, single submitter. Criteria: ACMG Guidelines, 2015. Collection method: clinical testing. Allele origin: germline. Observed: 5 variant alleles.
Comment: BS1, BS2, BP4, BP7

Women's Health and Genetics/Laboratory Corporation of America, LabCorp
Classification: Benign. Last evaluated: 2025-04-25. Review status: criteria provided, single submitter. Criteria: LabCorp Variant Classification Summary - May 2015. Collection method: clinical testing. Allele origin: germline.

Blueprint Genetics
Classification: Benign. Last evaluated: 2024-11-13. Review status: criteria provided, single submitter. Criteria: ACMG Guidelines, 2015. Collection method: clinical testing. Allele origin: germline.

Ambry Genetics
Classification: Likely benign for Inborn genetic diseases. Last evaluated: 2024-11-09. Review status: criteria provided, single submitter. Criteria: Ambry Variant Classification Scheme 2023. Collection method: clinical testing. Allele origin: germline.

Fulgent Genetics
Classification: Likely benign for Polycystic kidney disease, adult type. Last evaluated: 2021-10-26. Review status: criteria provided, single submitter. Criteria: ACMG Guidelines, 2015. Collection method: clinical testing. Allele origin: unknown.

GeneDx
Classification: Benign. Last evaluated: 2019-11-07. Review status: criteria provided, single submitter. Criteria: GeneDx Variant Classification Process June 2021. Collection method: clinical testing. Allele origin: germline. Affected: yes.
Comment: This variant is associated with the following publications: (PMID: 27401137, 19686598)

ARUP Laboratories, Molecular Genetics and Genomics, ARUP Laboratories
Classification: Benign for Polycystic kidney disease, adult type. Last evaluated: 2019-02-08. Review status: criteria provided, single submitter. Criteria: ARUP Molecular Germline Variant Investigation Process. Collection method: clinical testing. Allele origin: germline.

Athena Diagnostics
Classification: Benign for Polycystic kidney disease, adult type. Last evaluated: 2017-05-30. Review status: criteria provided, single submitter. Criteria: Athena Diagnostics Criteria. Collection method: clinical testing. Allele origin: germline.

Breakthrough Genomics
Classification: Benign. Review status: criteria provided, single submitter. Criteria: ACMG Guidelines, 2015. Collection method: not provided. Allele origin: germline. Inheritance: Autosomal dominant inheritance. Affected: yes.

PreventionGenetics, part of Exact Sciences
Classification: Benign. Review status: criteria provided, single submitter. Criteria: ACMG Guidelines, 2015. Collection method: clinical testing. Allele origin: germline.

Department of Pathology and Laboratory Medicine, Sinai Health System
Classification: Benign for Polycystic Kidney disease. Review status: no assertion criteria provided. Collection method: clinical testing. Allele origin: unknown. Affected: yes. Study: The Canadian Open Genetics Repository (COGR). Not counted in ClinVar's aggregate classification.
Comment: The PKD1 p.Asp3782Asp variant was identified as polymorphism in 6 of 550 proband chromosomes (frequency: 0.01) from individuals or families with ADPKD (Rossetti 2012, Rossetti 2002). The variant was also identified in the following databases: in dbSNP (ID: rs145955373) as â€šÃ„ÃºWith Benign alleleâ€šÃ„Ã¹, ClinVar (1x, as benign by Prevention Genetics), ADPKD Mutation Database (as likely neutral). The variant was not identified in LOVD 3.0, or PKD1-LOVD databases. The variant was identified in control databases in 1274 of 276110 (5 homozygous) chromosomes at a frequency of 0.004614 in the following populations: African in 30 of 23896 chromosomes (freq. 0.0012), other in 40 of 6440 chromosomes (freq. 0.006), Latino in 106 of 34408 chromosomes (freq. 0.003), European in 669 of 125862 (2 homozygous) chromosomes (freq. 0.005), Ashkenazi Jewish in 36 of 10114 chromosomes (freq. 0.0035), East Asian in 1 of 18836 chromosomes (freq. 0.00005), Finnish in 118 of 25778 chromosomes (freq. 0.0045),and South Asian in 274 of 30776 (3 homozygous) chromosomes (freq. 0.009), increasing the likelihood this could be a low frequency benign variant (Genome Aggregation Consortium Feb 27, 2017). The p.Asp3782Asp variant is not expected to have clinical significance because it does not result in a change of amino acid and is not located in a known consensus splice site. In addition, in silico or computational prediction software programs (SpliceSiteFinder, MaxEntScan, NNSPLICE, GeneSplicer, HumanSpliceFinder) do not predict a difference in splicing. In summary, based on the above information this variant meets our laboratory criteria to be classified as benign.

Genome Diagnostics Laboratory, University Medical Center Utrecht
Classification: Benign. Review status: no assertion criteria provided. Collection method: clinical testing. Allele origin: germline. Affected: yes. Study: VKGL Data-share Consensus. Not counted in ClinVar's aggregate classification.

Laboratory of Diagnostic Genome Analysis, Leiden University Medical Center (LUMC)
Classification: Likely benign. Review status: no assertion criteria provided. Collection method: clinical testing. Allele origin: germline. Affected: yes. Study: VKGL Data-share Consensus. Not counted in ClinVar's aggregate classification.

Literature cited by the submitters: PubMed 19686598 (cited by Mayo Clinic Laboratories, Mayo Clinic); PubMed 22383692 (cited by Mayo Clinic Laboratories, Mayo Clinic); PubMed 27401137 (cited by Mayo Clinic Laboratories, Mayo Clinic and Athena Diagnostics); PubMed 32823016 (cited by Mayo Clinic Laboratories, Mayo Clinic); PubMed 37468838 (cited by Mayo Clinic Laboratories, Mayo Clinic); PubMed 38324470 (cited by Mayo Clinic Laboratories, Mayo Clinic).

NM_001009944.3(PKD1):c.11346C>T (p.Asp3782=)

Genes: PKD1 (polycystin 1, transient receptor potential channel interacting; minus strand), PKD1-AS1 (PKD1 antisense RNA 1; plus strand). Cytogenetic location: 16p13.3.
Variant type: single nucleotide variant.
Coding change: c.11346C>T on transcript NM_001009944.3 (MANE Select); coding-DNA position 11346, C replaced by T.
Protein change: p.Asp3782=; no amino-acid change (aspartic acid 3782 retained).
Molecular consequence: synonymous variant.
Genome position (GRCh38, 1-based): chr16:2,092,112, G>A on the plus strand (C>T on the coding strand, the complement: PKD1 is on the minus strand). VCF-style: chr16-2092112-G-A. GRCh37 (hg19) VCF-style: chr16-2142113-G-A.
Other names: p.Asp3782=; c.11343C>T, p.Asp3781= (NM_000296.4).
Identifiers: ClinVar variation 256901 (VCV000256901.45), dbSNP rs145955373, ClinGen allele CA7829181.